The following is an entry in ClinVar:

NM_005458.8(GABBR2):c.845C>T (p.Pro282Leu)

Gene: GABBR2 (gamma-aminobutyric acid type B receptor subunit 2; minus strand). Cytogenetic location: 9q22.33.
Variant type: single nucleotide variant.
Coding change: c.845C>T on transcript NM_005458.8 (MANE Select); coding-DNA position 845, C replaced by T.
Protein change: p.Pro282Leu; replaces proline 282 with leucine.
Molecular consequence: missense variant.
Genome position (GRCh38, 1-based): chr9:98,473,300, G>A on the plus strand (C>T on the coding strand, the complement: GABBR2 is on the minus strand). VCF-style: chr9-98473300-G-A. GRCh37 (hg19) VCF-style: chr9-101235582-G-A.
Other names: short protein forms P282L.
Identifiers: ClinVar variation 1025899 (VCV001025899.8), dbSNP rs1826722249, ClinGen allele CA374351565.

ClinVar aggregate classification (germline): Uncertain significance (1 of 4 stars; one submission).

Conditions:
Epileptic encephalopathy. Identifiers: MedGen C0543888, HP:0200134.

Allele frequency attached by ClinVar (database versions not stated): gnomAD exomes below 0.00001.
gnomAD v4.1: 1 of 1,613,238 alleles (0.000062%); highest among the groups gnomAD compares: Non-Finnish European, 0.000085%; no homozygotes.

Submission:

Labcorp Genetics (formerly Invitae), Labcorp
Classification: Uncertain significance for Epileptic encephalopathy. Last evaluated: 2022-11-10. Review status: criteria provided, single submitter. Criteria: Invitae Variant Classification Sherloc (09022015). Collection method: clinical testing. Allele origin: germline.
Comment: Advanced modeling of protein sequence and biophysical properties (such as structural, functional, and spatial information, amino acid conservation, physicochemical variation, residue mobility, and thermodynamic stability) performed at Invitae indicates that this missense variant is not expected to disrupt GABBR2 protein function. This sequence change replaces proline, which is neutral and non-polar, with leucine, which is neutral and non-polar, at codon 282 of the GABBR2 protein (p.Pro282Leu). This variant is not present in population databases (gnomAD no frequency). This missense change has been observed in individual(s) with clinical features of GABBR2-related conditions (Invitae). ClinVar contains an entry for this variant (Variation ID: 1025899). In summary, the available evidence is currently insufficient to determine the role of this variant in disease. Therefore, it has been classified as a Variant of Uncertain Significance.